The following is an entry in ClinVar:

NM_012295.4(CABIN1):c.852C>T (p.Leu284=)

Gene: CABIN1 (calcineurin binding protein 1; plus strand). Cytogenetic location: 22q11.23.
Variant type: single nucleotide variant.
Coding change: c.852C>T on transcript NM_012295.4 (MANE Select); coding-DNA position 852, C replaced by T.
Protein change: p.Leu284=; no amino-acid change (leucine 284 retained).
Molecular consequence: synonymous variant.
Genome position (GRCh38, 1-based): chr22:24,054,918, C>T. VCF-style: chr22-24054918-C-T. GRCh37 (hg19) VCF-style: chr22-24451381-C-T.
Other names: c.852C>T, p.Leu284= (NM_001199281.1); c.702C>T, p.Leu234= (NM_001201429.2).
Identifiers: ClinVar variation 3025144 (VCV003025144.22), dbSNP rs76760361, ClinGen allele CA10148456.

ClinVar aggregate classification (germline): Likely benign (1 of 4 stars; one submission).

Allele frequency attached by ClinVar (database versions not stated): 1000 Genomes Project 30x 0.00078; TOPMed 0.00085; 1000 Genomes Project 0.00100; ESP Exome Variant Server 0.00100; gnomAD 0.00152; gnomAD exomes 0.00189; ExAC 0.00211.
gnomAD v4.1: 2,972 of 1,614,220 alleles (0.18%); highest among the groups gnomAD compares: Non-Finnish European, 0.2%; 9 homozygotes.

Submission:

CeGaT Center for Human Genetics Tuebingen
Classification: Likely benign. Last evaluated: 2024-02-01. Review status: criteria provided, single submitter. Criteria: CeGaT Center For Human Genetics Tuebingen Variant Classification Criteria Version 2. Collection method: clinical testing. Allele origin: germline. Affected: yes. Observed: 1 variant allele.
Comment: CABIN1: BP4, BP7